The following is an entry in ClinVar:

ClinVar aggregate classification (germline): Uncertain significance. Review status: criteria provided, multiple submitters, no conflicts (2 of 4 stars). 5 submissions from 5 submitters: Uncertain significance (3). 2 of the submissions do not count toward it. Last evaluated 2025-09-26.

Conditions:
Inborn genetic diseases. Identifiers: MedGen C0950123, MeSH D030342.

Allele frequency attached by ClinVar (database versions not stated): TOPMed 0.00001; gnomAD exomes 0.00002 and 0.00003; gnomAD 0.00003 and 0.00004; ExAC 0.00002.
gnomAD v4.1: 55 of 1,613,024 alleles (0.0034%); highest among the groups gnomAD compares: Non-Finnish European, 0.0044%; no homozygotes.

Submissions (5):

Mayo Clinic Laboratories, Mayo Clinic
Classification: Uncertain significance. Last evaluated: 2025-09-26. Review status: criteria provided, single submitter. Criteria: ACMG Guidelines, 2015. Collection method: clinical testing. Allele origin: germline. Observed: 1 variant allele.
Comment: BP4

Ambry Genetics
Classification: Uncertain significance for Inborn genetic diseases. Last evaluated: 2025-08-01. Review status: criteria provided, single submitter. Criteria: Ambry Variant Classification Scheme 2023. Collection method: clinical testing. Allele origin: germline.

Revvity Omics, Revvity
Classification: Uncertain significance. Last evaluated: 2024-01-31. Review status: criteria provided, single submitter. Criteria: ACMG Guidelines, 2015. Collection method: clinical testing. Allele origin: germline.

Clinical Genetics, Academic Medical Center
Classification: Uncertain significance. Review status: no assertion criteria provided. Collection method: clinical testing. Allele origin: germline. Affected: yes. Study: VKGL Data-share Consensus. Not counted in ClinVar's aggregate classification.

Genome Diagnostics Laboratory, Amsterdam University Medical Center
Classification: Uncertain significance. Review status: no assertion criteria provided. Collection method: clinical testing. Allele origin: germline. Affected: yes. Study: VKGL Data-share Consensus. Not counted in ClinVar's aggregate classification.

NM_001849.4(COL6A2):c.202T>C (p.Phe68Leu)

Gene: COL6A2 (collagen type VI alpha 2 chain; plus strand). Cytogenetic location: 21q22.3.
Variant type: single nucleotide variant.
Coding change: c.202T>C on transcript NM_001849.4 (MANE Select); coding-DNA position 202, T replaced by C.
Protein change: p.Phe68Leu; replaces phenylalanine 68 with leucine.
Molecular consequence: missense variant.
Genome position (GRCh38, 1-based): chr21:46,112,065, T>C. VCF-style: chr21-46112065-T-C. GRCh37 (hg19) VCF-style: chr21-47531979-T-C.
Other names: p.Phe68Leu; c.202T>C, p.Phe68Leu (NM_058174.3, NM_058175.3); c.202T>C (NM_001849.3); short protein forms F68L.
Identifiers: ClinVar variation 1210052 (VCV001210052.6), dbSNP rs766930447, ClinGen allele CA10071230.